The following is an entry in ClinVar:

ClinVar aggregate classification (germline): Uncertain significance (1 of 4 stars; one submission).

Submission:

GeneDx
Classification: Uncertain significance. Last evaluated: 2024-03-22. Review status: criteria provided, single submitter. Criteria: GeneDx Variant Classification Process June 2021. Collection method: clinical testing. Allele origin: germline. Affected: yes.
Comment: Not observed at significant frequency in large population cohorts (gnomAD); In silico analysis supports that this missense variant does not alter protein structure/function; Has not been previously published as pathogenic or benign to our knowledge

NM_002227.4(JAK1):c.2466C>G (p.Asp822Glu)

Gene: JAK1 (Janus kinase 1; minus strand). Cytogenetic location: 1p31.3.
Variant type: single nucleotide variant.
Coding change: c.2466C>G on transcript NM_002227.4 (MANE Select); coding-DNA position 2466, C replaced by G.
Protein change: p.Asp822Glu; replaces aspartic acid 822 with glutamic acid.
Molecular consequence: missense variant.
Genome position (GRCh38, 1-based): chr1:64,841,539, G>C on the plus strand (C>G on the coding strand, the complement: JAK1 is on the minus strand). VCF-style: chr1-64841539-G-C. GRCh37 (hg19) VCF-style: chr1-65307222-G-C.
Other names: c.2466C>G, p.Asp822Glu (NM_001320923.2, NM_001321852.2, NM_001321853.2 and 3 more transcripts); c.2463C>G, p.Asp821Glu (NM_001321857.2); short protein forms D821E, D822E.
Identifiers: ClinVar variation 3371358 (VCV003371358.1).